The following is an entry in ClinVar:

ClinVar aggregate classification (germline): Uncertain significance. Review status: criteria provided, multiple submitters, no conflicts (2 of 4 stars). 3 submissions from 3 submitters: Uncertain significance (3). Last evaluated 2024-11-29.

Conditions:
Juvenile polyposis syndrome (JPS). Identifiers: Orphanet 2929, MedGen C0345893, MONDO:0017380, OMIM 174900.
Hereditary cancer-predisposing syndrome. Also called: Tumor predisposition; Neoplastic Syndromes, Hereditary; Hereditary Cancer Syndrome; Hereditary neoplastic syndrome. Identifiers: Orphanet 140162, MedGen C0027672, MeSH D009386, MONDO:0015356.

Submissions (3):

Ambry Genetics
Classification: Uncertain significance for Hereditary cancer-predisposing syndrome. Last evaluated: 2024-11-29. Review status: criteria provided, single submitter. Criteria: Ambry Variant Classification Scheme 2023. Collection method: clinical testing. Allele origin: germline.
Comment: The p.I151T variant (also known as c.452T>C), located in coding exon 5 of the BMPR1A gene, results from a T to C substitution at nucleotide position 452. The isoleucine at codon 151 is replaced by threonine, an amino acid with similar properties. This amino acid position is poorly conserved in available vertebrate species. In addition, this alteration is predicted to be tolerated by in silico analysis. Since supporting evidence is limited at this time, the clinical significance of this alteration remains unclear.

All of Us Research Program, National Institutes of Health
Classification: Uncertain significance for Juvenile polyposis syndrome. Last evaluated: 2023-12-13. Review status: criteria provided, single submitter. Criteria: ACMG Guidelines, 2015. Collection method: clinical testing. Allele origin: germline. Inheritance: Autosomal dominant inheritance. Observed: 1 variant allele, 1 heterozygote.
Comment: This missense variant replaces isoleucine with threonine at codon 151 of the BMPR1A protein. Computational prediction suggests that this variant may not impact protein structure and function (internally defined REVEL score threshold <= 0.5, PMID: 27666373). To our knowledge, functional studies have not been reported for this variant. This variant has not been reported in individuals affected with BMPR1A-related disorders in the literature. This variant has not been identified in the general population by the Genome Aggregation Database (gnomAD). The available evidence is insufficient to determine the role of this variant in disease conclusively. Therefore, this variant is classified as a Variant of Uncertain Significance.

This study involves interpretation of variants in research participants for the purpose of population health screening. Participant phenotype was not available at the time of variant classification. Additional details can be found in publication PMID: 35346344, PMCID: PMC8962531

Color Diagnostics, LLC DBA Color Health
Classification: Uncertain significance for Hereditary cancer-predisposing syndrome. Last evaluated: 2023-12-05. Review status: criteria provided, single submitter. Criteria: ACMG Guidelines, 2015. Collection method: clinical testing. Allele origin: germline.
Comment: This missense variant replaces isoleucine with threonine at codon 151 of the BMPR1A protein. Computational prediction suggests that this variant may not impact protein structure and function (internally defined REVEL score threshold <= 0.5, PMID: 27666373). To our knowledge, functional studies have not been reported for this variant. This variant has not been reported in individuals affected with BMPR1A-related disorders in the literature. This variant has not been identified in the general population by the Genome Aggregation Database (gnomAD). The available evidence is insufficient to determine the role of this variant in disease conclusively. Therefore, this variant is classified as a Variant of Uncertain Significance.

NM_004329.3(BMPR1A):c.452T>C (p.Ile151Thr)

Gene: BMPR1A (bone morphogenetic protein receptor type 1A; plus strand). Cytogenetic location: 10q23.2.
Variant type: single nucleotide variant.
Coding change: c.452T>C on transcript NM_004329.3 (MANE Select); coding-DNA position 452, T replaced by C.
Protein change: p.Ile151Thr; replaces isoleucine 151 with threonine.
Molecular consequence: missense variant.
Genome position (GRCh38, 1-based): chr10:86,900,048, T>C. VCF-style: chr10-86900048-T-C. GRCh37 (hg19) VCF-style: chr10-88659805-T-C.
Other names: short protein forms I151T.
Identifiers: ClinVar variation 491003 (VCV000491003.10), dbSNP rs1554889010, ClinGen allele CA377450223.
Genomic context (GRCh38, chr10:86,900,048, plus strand): 5'-TTCATTTCAATTGTTTACATTGTTTACTTTTATTGTCAGGTCCGTTTTTTGATGGCAGCA[T>C]TCGATGGCTGGTTTTGCTCATTTCTATGGCTGTCTGCATAATTGCTATGATCATCTTCTC-3'
Protein context (NP_004320.2, residues 141-161): VVIGPFFDGS[Ile151Thr]RWLVLLISMA